The following is an entry in ClinVar:

ClinVar aggregate classification (germline): Pathogenic/Likely pathogenic. Review status: criteria provided, multiple submitters, no conflicts (2 of 4 stars). 2 submissions from 2 submitters: Pathogenic (1); Likely pathogenic (1). Last evaluated 2024-10-23.

Conditions:
Fanconi anemia (FA). Also called: Fanconi's anemia. Identifiers: Orphanet 84, MedGen C0015625, MeSH D005199, MONDO:0019391.
Fanconi anemia complementation group I (FANCI). Also called: FANCI-Related Fanconi Anemia. Identifiers: Orphanet 84, MedGen C1836861, MONDO:0012186, OMIM 609053.

Allele frequency attached by ClinVar (database versions not stated): gnomAD exomes below 0.00001.
gnomAD v4.1: 6 of 1,572,376 alleles (0.00038%); highest among the groups gnomAD compares: Non-Finnish European, 0.00052%; no homozygotes.

Submissions (2):

Labcorp Genetics (formerly Invitae), Labcorp
Classification: Pathogenic for Fanconi anemia. Last evaluated: 2024-10-23. Review status: criteria provided, single submitter. Criteria: Invitae Variant Classification Sherloc (09022015). Collection method: clinical testing. Allele origin: germline.
Comment: This sequence change creates a premature translational stop signal (p.Gln297*) in the FANCI gene. It is expected to result in an absent or disrupted protein product. Loss-of-function variants in FANCI are known to be pathogenic (PMID: 17452773, 17460694). This variant is not present in population databases (gnomAD no frequency). This variant has not been reported in the literature in individuals affected with FANCI-related conditions. Algorithms developed to predict the effect of sequence changes on RNA splicing suggest that this variant may disrupt the consensus splice site. For these reasons, this variant has been classified as Pathogenic.

Baylor Genetics
Classification: Likely pathogenic for Fanconi anemia complementation group I. Last evaluated: 2023-12-22. Review status: criteria provided, single submitter. Criteria: ACMG Guidelines, 2015. Collection method: clinical testing. Allele origin: unknown.

Literature cited by the submitters: PubMed 17452773 (cited by Labcorp Genetics (formerly Invitae), Labcorp); PubMed 17460694 (cited by Labcorp Genetics (formerly Invitae), Labcorp).

NM_001113378.2(FANCI):c.889C>T (p.Gln297Ter)

Gene: FANCI (FA complementation group I; plus strand). Cytogenetic location: 15q26.1.
Variant type: single nucleotide variant.
Coding change: c.889C>T on transcript NM_001113378.2 (MANE Select); coding-DNA position 889, C replaced by T.
Protein change: p.Gln297Ter; replaces glutamine 297 with a stop codon.
Molecular consequence: nonsense.
Genome position (GRCh38, 1-based): chr15:89,273,383, C>T. VCF-style: chr15-89273383-C-T. GRCh37 (hg19) VCF-style: chr15-89816614-C-T.
Other names: c.610C>T, p.Gln204Ter (NM_001376910.1); c.889C>T, p.Gln297Ter (NM_001376911.1, NM_018193.3); short protein forms Q204*, Q297*.
Identifiers: ClinVar variation 2675658 (VCV002675658.4), dbSNP rs2506174334, ClinGen allele CA393741290.